The following is an entry in ClinVar:

NM_020937.4(FANCM):c.3151T>A (p.Leu1051Met)

Gene: FANCM (FA complementation group M; plus strand). Cytogenetic location: 14q21.2.
Variant type: single nucleotide variant.
Coding change: c.3151T>A on transcript NM_020937.4 (MANE Select); coding-DNA position 3151, T replaced by A.
Protein change: p.Leu1051Met; replaces leucine 1051 with methionine.
Molecular consequence: missense variant.
Genome position (GRCh38, 1-based): chr14:45,175,905, T>A. VCF-style: chr14-45175905-T-A. GRCh37 (hg19) VCF-style: chr14-45645108-T-A.
Other names: c.3073T>A, p.Leu1025Met (NM_001308133.2); short protein forms L1051M, L1025M.
Identifiers: ClinVar variation 4844570 (VCV004844570.1).
Genomic context (GRCh38, chr14:45,175,905, plus strand): 5'-AGTGATAAATGCACCTGTTTGCTGTCACATTCAGCTGTGAATTCTCAACAGAATTTAGAA[T>A]TGAATTCACTTAAATGTATAAATTATCCATCTGAAAAAAGTTGCCTTTATGATATACCTA-3'
Protein context (NP_065988.1, residues 1041-1061): SAVNSQQNLE[Leu1051Met]NSLKCINYPS

ClinVar aggregate classification (germline): Uncertain significance (1 of 4 stars; one submission).

Conditions:
Inborn genetic diseases. Identifiers: MedGen C0950123, MeSH D030342.

Submission:

Ambry Genetics
Classification: Uncertain significance for Inborn genetic diseases. Last evaluated: 2026-02-16. Review status: criteria provided, single submitter. Criteria: Ambry Variant Classification Scheme 2023. Collection method: clinical testing. Allele origin: germline.
Comment: The p.L1051M variant (also known as c.3151T>A), located in coding exon 14 of the FANCM gene, results from a T to A substitution at nucleotide position 3151. The leucine at codon 1051 is replaced by methionine, an amino acid with highly similar properties. This amino acid position is conserved. In addition, this alteration is predicted to be tolerated by in silico analysis. Based on the available evidence, the clinical significance of this variant remains unclear.